The following is an entry in ClinVar:

ClinVar aggregate classification (germline): Uncertain significance (1 of 4 stars; one submission).

Conditions:
KBG syndrome (KBGS). Also called: ANKRD11-Related KBG Syndrome. Identifiers: Orphanet 2332, MedGen C0220687, MONDO:0007846, OMIM 148050.

Allele frequency attached by ClinVar (database versions not stated): gnomAD exomes below 0.00001.
gnomAD v4.1: 1 of 1,614,088 alleles (0.000062%); highest among the groups gnomAD compares: Non-Finnish European, 0.000085%; no homozygotes.

Submission:

Labcorp Genetics (formerly Invitae), Labcorp
Classification: Uncertain significance for KBG syndrome. Last evaluated: 2022-07-28. Review status: criteria provided, single submitter. Criteria: Invitae Variant Classification Sherloc (09022015). Collection method: clinical testing. Allele origin: germline.
Comment: This sequence change replaces aspartic acid, which is acidic and polar, with asparagine, which is neutral and polar, at codon 215 of the ANKRD11 protein (p.Asp215Asn). This variant is not present in population databases (gnomAD no frequency). This variant has not been reported in the literature in individuals affected with ANKRD11-related conditions. Algorithms developed to predict the effect of missense changes on protein structure and function are either unavailable or do not agree on the potential impact of this missense change (SIFT: "Deleterious"; PolyPhen-2: "Probably Damaging"; Align-GVGD: "Class C0"). In summary, the available evidence is currently insufficient to determine the role of this variant in disease. Therefore, it has been classified as a Variant of Uncertain Significance.

NM_013275.6(ANKRD11):c.643G>A (p.Asp215Asn)

Gene: ANKRD11 (ankyrin repeat domain 11; minus strand). Cytogenetic location: 16q24.3.
Variant type: single nucleotide variant.
Coding change: c.643G>A on transcript NM_013275.6 (MANE Select); coding-DNA position 643, G replaced by A.
Protein change: p.Asp215Asn; replaces aspartic acid 215 with asparagine.
Molecular consequence: missense variant. On other transcripts: non-coding transcript variant (1).
Genome position (GRCh38, 1-based): chr16:89,288,629, C>T on the plus strand (G>A on the coding strand, the complement: ANKRD11 is on the minus strand). VCF-style: chr16-89288629-C-T. GRCh37 (hg19) VCF-style: chr16-89355037-C-T.
Other names: c.643G>A, p.Asp215Asn (NM_001256182.2, NM_001256183.2); short protein forms D215N.
Identifiers: ClinVar variation 2191117 (VCV002191117.4), dbSNP rs2034816601, ClinGen allele CA397166993.